The following is an entry in ClinVar:

ClinVar aggregate classification (germline): Pathogenic (1 of 4 stars; one submission).

Submission:

GeneDx
Classification: Pathogenic. Last evaluated: 2016-10-20. Review status: criteria provided, single submitter. Criteria: GeneDx Variant Classification (06012015). Collection method: clinical testing. Allele origin: germline. Affected: yes.
Comment: The c.1579_1582delATTG pathogenic variant in the KANSL1 gene has not been reported previously as a pathogenic variant nor as a benign variant, to our knowledge. The c.1579_1582delATTG variant causes a frameshift starting with codon Isoleucine 527, changes this amino acid to a Valine residue, and creates a premature Stop codon at position 50 of the new reading frame, denoted p.Ile527ValfsX50. This variant is predicted to cause loss of normal protein function either through protein truncation or nonsense-mediated mRNA decay. The c.1579_1582delATTG variant was not observed in approximately 6,500 individuals of European and African American ancestry in the NHLBI Exome Sequencing Project, indicating it is not a common benign variant in these populations. We interpret c.1579_1582delATTG as a pathogenic variant.

NM_015443.4(KANSL1):c.1579_1582del (p.Ile527fs)

Gene: KANSL1 (KAT8 regulatory NSL complex subunit 1). Cytogenetic location: 17q21.31.
Variant type: Deletion.
Coding change: c.1579_1582del on transcript NM_015443.4 (MANE Select); coding-DNA positions 1579 to 1582, 4 bases deleted.
Protein change: p.Ile527fs; shifts the reading frame from isoleucine 527.
Molecular consequence: frameshift variant.
Genome position: GRCh38 VCF-style: chr17-46067618-CCAAT-C. GRCh37 (hg19) VCF-style: chr17-44144984-CCAAT-C.
Other names: c.1579_1582del, p.Ile527fs (NM_001193465.2, NM_001193466.2, NM_001379198.1); short protein forms I527fs.
Identifiers: ClinVar variation 373061 (VCV000373061.2), dbSNP rs1057518182, ClinGen allele CA16042988.